The following is an entry in ClinVar:

NM_080669.6(SLC46A1):c.*3062C>A

Genes: SARM1 (sterile alpha and TIR motif containing 1; plus strand), SLC46A1 (solute carrier family 46 member 1; minus strand). Cytogenetic location: 17q11.2.
Variant type: single nucleotide variant.
Coding change: c.*3062C>A on transcript NM_080669.6 (MANE Select); 3062 bases downstream of the stop codon, C replaced by A.
Molecular consequence: 3 prime UTR variant.
Genome position (GRCh38, 1-based): chr17:28,396,594, G>T on the plus strand (C>A on the coding strand, the complement: SLC46A1 is on the minus strand). VCF-style: chr17-28396594-G-T. GRCh37 (hg19) VCF-style: chr17-26723613-G-T.
Other names: c.*308G>T (NM_015077.4); c.*3062C>A (NM_001242366.3).
Identifiers: ClinVar variation 322361 (VCV000322361.6), dbSNP rs2239911, ClinGen allele CA10639235.
Genomic context (GRCh38, chr17:28,396,594, plus strand): 5'-TCTGTCTCCGTCATGGGGAGGGTCCCTGCTCAGTTCTGGAGACACTGGAGTTGGGGTGGG[G>T]GTGGTTCTGCATTCCCTTCTCCTGCTGATAGCAGTCAGCTTGAGGAGGATGACGGAAGGC-3'

ClinVar aggregate classification (germline): Benign. Review status: criteria provided, multiple submitters, no conflicts (2 of 4 stars). 2 submissions from 2 submitters: Benign (2). Last evaluated 2018-01-13.

Conditions:
Congenital defect of folate absorption. Also called: Hereditary Folate Malabsorption. Identifiers: Orphanet 90045, MedGen C0342705, MONDO:0009238, OMIM 229050.

Allele frequency attached by ClinVar (database versions not stated): gnomAD 0.51926 and 0.52387; 1000 Genomes Project 0.53395; 1000 Genomes Project 30x 0.53607; TOPMed 0.53860; gnomAD exomes 0.55985.
gnomAD v4.1: 201,661 of 369,682 alleles (55%); highest among the groups gnomAD compares: East Asian, 74%; 56,014 homozygotes.

Submissions (2):

Illumina Laboratory Services, Illumina
Classification: Benign for Congenital defect of folate absorption. Last evaluated: 2018-01-13. Review status: criteria provided, single submitter. Criteria: ICSL Variant Classification Criteria 13 December 2019. Collection method: clinical testing. Allele origin: germline.
Comment: This variant was observed in the ICSL laboratory as part of a predisposition screen in an ostensibly healthy population. It had not been previously curated by ICSL or reported in the Human Gene Mutation Database (HGMD: prior to June 1st, 2018), and was therefore a candidate for classification through an automated scoring system. Utilizing variant allele frequency, disease prevalence and penetrance estimates, and inheritance mode, an automated score was calculated to assess if this variant is too frequent to cause the disease. Based on the score and internal cut-off values, a variant classified as benign is not then subjected to further curation. The score for this variant resulted in a classification of benign for this disease.

Breakthrough Genomics
Classification: Benign. Review status: criteria provided, single submitter. Criteria: ACMG Guidelines, 2015. Collection method: not provided. Allele origin: germline. Inheritance: Autosomal recessive inheritance. Affected: yes.